The following is an entry in ClinVar:

ClinVar aggregate classification (germline): Uncertain significance (1 of 4 stars; one submission).

Conditions:
Cardiovascular phenotype. Identifiers: MedGen CN230736.

Allele frequency attached by ClinVar (database versions not stated): gnomAD exomes 0.00001.
gnomAD v4.1: 5 of 1,614,104 alleles (0.00031%); highest among the groups gnomAD compares: Non-Finnish European, 0.00042%; no homozygotes.

Submission:

Ambry Genetics
Classification: Uncertain significance for Cardiovascular phenotype. Last evaluated: 2021-12-16. Review status: criteria provided, single submitter. Criteria: Ambry Variant Classification Scheme 2023. Collection method: clinical testing. Allele origin: germline.
Comment: The p.P2690T variant (also known as c.8068C>A), located in coding exon 24 of the DSP gene, results from a C to A substitution at nucleotide position 8068. The proline at codon 2690 is replaced by threonine, an amino acid with highly similar properties. This amino acid position is conserved. In addition, the in silico prediction for this alteration is inconclusive. Since supporting evidence is limited at this time, the clinical significance of this alteration remains unclear.

NM_004415.4(DSP):c.8068C>A (p.Pro2690Thr)

Gene: DSP (desmoplakin; plus strand). Cytogenetic location: 6p24.3.
Variant type: single nucleotide variant.
Coding change: c.8068C>A on transcript NM_004415.4 (MANE Select); coding-DNA position 8068, C replaced by A.
Protein change: p.Pro2690Thr; replaces proline 2690 with threonine.
Molecular consequence: missense variant.
Genome position (GRCh38, 1-based): chr6:7,585,330, C>A. VCF-style: chr6-7585330-C-A. GRCh37 (hg19) VCF-style: chr6-7585563-C-A.
Other names: c.6271C>A, p.Pro2091Thr (NM_001008844.3); c.6739C>A, p.Pro2247Thr (NM_001319034.2); short protein forms P2690T, P2247T, P2091T.
Identifiers: ClinVar variation 1761859 (VCV001761859.2), dbSNP rs786204300, ClinGen allele CA362694366.
Genomic context (GRCh38, chr6:7,585,330, plus strand): 5'-TCACTTCAGGACGCAGTCTCCCAGGGTGTGATTGACCAAGACATGGCCACCAGGCTGAAG[C>A]CTGCTCAGAAAGCCTTCATAGGCTTCGAGGGTGTGAAGGGAAAGAAGAAGATGTCAGCAG-3'
Protein context (NP_004406.2, residues 2680-2700): IDQDMATRLK[Pro2690Thr]AQKAFIGFEG